The following is an entry in ClinVar:

NM_006767.4(LZTR1):c.529G>C (p.Ala177Pro)

Gene: LZTR1 (leucine zipper like post translational regulator 1; plus strand). Cytogenetic location: 22q11.21.
Variant type: single nucleotide variant.
Coding change: c.529G>C on transcript NM_006767.4 (MANE Select); coding-DNA position 529, G replaced by C.
Protein change: p.Ala177Pro; replaces alanine 177 with proline.
Molecular consequence: missense variant.
Genome position (GRCh38, 1-based): chr22:20,988,808, G>C. VCF-style: chr22-20988808-G-C. GRCh37 (hg19) VCF-style: chr22-21343097-G-C.
Other names: short protein forms A177P.
Identifiers: ClinVar variation 2503406 (VCV002503406.1), dbSNP rs2518614067, ClinGen allele CA410780113.
Genomic context (GRCh38, chr22:20,988,808, plus strand): 5'-CTGGGCGGCCTCACTCCCTCCCCTCTTCCCTCACACTCCAGGTTGCCAGTCGCTAGGTCA[G>C]CCCATGGGGCCACGGTGTACAGTGACAAGCTGTGGATCTTTGCTGGCTATGACGGCAACG-3'
Protein context (NP_006758.2, residues 167-187): IEGRLPVARS[Ala177Pro]HGATVYSDKL

ClinVar aggregate classification (germline): Uncertain significance (1 of 4 stars; one submission).

Submission:

GeneDx
Classification: Uncertain significance. Last evaluated: 2022-11-28. Review status: criteria provided, single submitter. Criteria: GeneDx Variant Classification Process June 2021. Collection method: clinical testing. Allele origin: germline. Affected: yes.
Comment: Not observed at significant frequency in large population cohorts (gnomAD); In silico analysis supports that this missense variant has a deleterious effect on protein structure/function; Has not been previously published as pathogenic or benign to our knowledge